The following is an entry in ClinVar:

ClinVar aggregate classification (germline): Uncertain significance (1 of 4 stars; one submission).

Conditions:
Spastic paraplegia. Identifiers: MedGen C0037772, HP:0001258.

Allele frequency attached by ClinVar (database versions not stated): gnomAD exomes below 0.00001.
gnomAD v4.1: 1 of 1,614,230 alleles (0.000062%); highest among the groups gnomAD compares: Non-Finnish European, 0.000085%; no homozygotes.

Submission:

Labcorp Genetics (formerly Invitae), Labcorp
Classification: Uncertain significance for Spastic paraplegia. Last evaluated: 2021-12-29. Review status: criteria provided, single submitter. Criteria: Invitae Variant Classification Sherloc (09022015). Collection method: clinical testing. Allele origin: germline.
Comment: This sequence change replaces glutamic acid, which is acidic and polar, with glutamine, which is neutral and polar, at codon 1737 of the ZFYVE26 protein (p.Glu1737Gln). This variant is present in population databases (no rsID available, gnomAD 0.0009%). This variant has not been reported in the literature in individuals affected with ZFYVE26-related conditions. Algorithms developed to predict the effect of missense changes on protein structure and function are either unavailable or do not agree on the potential impact of this missense change (SIFT: "Tolerated"; PolyPhen-2: "Possibly Damaging"; Align-GVGD: "Class C0"). In summary, the available evidence is currently insufficient to determine the role of this variant in disease. Therefore, it has been classified as a Variant of Uncertain Significance.

NM_015346.4(ZFYVE26):c.5209G>C (p.Glu1737Gln)

Gene: ZFYVE26 (zinc finger FYVE-type containing 26; minus strand). Cytogenetic location: 14q24.1.
Variant type: single nucleotide variant.
Coding change: c.5209G>C on transcript NM_015346.4 (MANE Select); coding-DNA position 5209, G replaced by C.
Protein change: p.Glu1737Gln; replaces glutamic acid 1737 with glutamine.
Molecular consequence: missense variant.
Genome position (GRCh38, 1-based): chr14:67,775,872, C>G on the plus strand (G>C on the coding strand, the complement: ZFYVE26 is on the minus strand). VCF-style: chr14-67775872-C-G. GRCh37 (hg19) VCF-style: chr14-68242589-C-G.
Other names: short protein forms E1737Q.
Identifiers: ClinVar variation 1970323 (VCV001970323.5), dbSNP rs1288270784, ClinGen allele CA390168072.